The following is an entry in ClinVar:

ClinVar aggregate classification (germline): Likely benign. Review status: criteria provided, multiple submitters, no conflicts (2 of 4 stars). 4 submissions from 4 submitters: Likely benign (4). Last evaluated 2026-01-13.

Conditions:
Hereditary cancer-predisposing syndrome. Also called: Neoplastic Syndromes, Hereditary; Tumor predisposition; Hereditary Cancer Syndrome; Hereditary neoplastic syndrome. Identifiers: Orphanet 140162, MedGen C0027672, MeSH D009386, MONDO:0015356.

Allele frequency attached by ClinVar (database versions not stated): gnomAD 0.00001; ExAC 0.00002; TOPMed 0.00002.
gnomAD v4.1: 34 of 1,614,028 alleles (0.0021%); highest among the groups gnomAD compares: Middle Eastern, 0.016%; no homozygotes.

Submissions (4):

Labcorp Genetics (formerly Invitae), Labcorp
Classification: Likely benign. Last evaluated: 2026-01-13. Review status: criteria provided, single submitter. Criteria: Invitae Variant Classification Sherloc (09022015). Collection method: clinical testing. Allele origin: germline.

Blueprint Genetics
Classification: Likely benign. Last evaluated: 2023-09-06. Review status: criteria provided, single submitter. Criteria: ACMG Guidelines, 2015. Collection method: clinical testing. Allele origin: germline.

GeneDx
Classification: Likely benign. Last evaluated: 2017-12-29. Review status: criteria provided, single submitter. Criteria: GeneDx Variant Classification (06012015). Collection method: clinical testing. Allele origin: germline. Affected: yes.
Comment: This variant is considered likely benign or benign based on one or more of the following criteria: it is a conservative change, it occurs at a poorly conserved position in the protein, it is predicted to be benign by multiple in silico algorithms, and/or has population frequency not consistent with disease.

Ambry Genetics
Classification: Likely benign for Hereditary cancer-predisposing syndrome. Last evaluated: 2015-08-10. Review status: criteria provided, single submitter. Criteria: Ambry Variant Classification Scheme 2023. Collection method: clinical testing. Allele origin: germline.

NM_006231.4(POLE):c.1617C>T (p.Tyr539=)

Gene: POLE (DNA polymerase epsilon, catalytic subunit; minus strand). Cytogenetic location: 12q24.33.
Variant type: single nucleotide variant.
Coding change: c.1617C>T on transcript NM_006231.4 (MANE Select); coding-DNA position 1617, C replaced by T.
Protein change: p.Tyr539=; no amino-acid change (tyrosine 539 retained).
Molecular consequence: synonymous variant.
Genome position (GRCh38, 1-based): chr12:132,672,696, G>A on the plus strand (C>T on the coding strand, the complement: POLE is on the minus strand). VCF-style: chr12-132672696-G-A. GRCh37 (hg19) VCF-style: chr12-133249282-G-A.
Identifiers: ClinVar variation 413547 (VCV000413547.17), dbSNP rs775930793, ClinGen allele CA6893899.